The following is an entry in ClinVar:

NM_002485.5(NBN):c.125G>C (p.Ser42Thr)

Gene: NBN (nibrin; minus strand). Cytogenetic location: 8q21.3.
Variant type: single nucleotide variant.
Coding change: c.125G>C on transcript NM_002485.5 (MANE Select); coding-DNA position 125, G replaced by C.
Protein change: p.Ser42Thr; replaces serine 42 with threonine.
Molecular consequence: missense variant. On other transcripts: 5 prime UTR variant (3).
Genome position (GRCh38, 1-based): chr8:89,982,768, C>G on the plus strand (G>C on the coding strand, the complement: NBN is on the minus strand). VCF-style: chr8-89982768-C-G. GRCh37 (hg19) VCF-style: chr8-90994996-C-G.
Other names: c.-172G>C (NM_001024688.3, NM_001440380.1); c.-122G>C (NM_001440379.1); short protein forms S42T.
Identifiers: ClinVar variation 4660811 (VCV004660811.1).

ClinVar aggregate classification (germline): Uncertain significance (1 of 4 stars; one submission).

Conditions:
Hereditary cancer-predisposing syndrome. Also called: Neoplastic Syndromes, Hereditary; Tumor predisposition; Hereditary Cancer Syndrome; Hereditary neoplastic syndrome. Identifiers: Orphanet 140162, MedGen C0027672, MeSH D009386, MONDO:0015356.

Submission:

Ambry Genetics
Classification: Uncertain significance for Hereditary cancer-predisposing syndrome. Last evaluated: 2025-12-12. Review status: criteria provided, single submitter. Criteria: Ambry Variant Classification Scheme 2023. Collection method: clinical testing. Allele origin: germline.
Comment: The p.S42T variant (also known as c.125G>C), located in coding exon 2 of the NBN gene, results from a G to C substitution at nucleotide position 125. The serine at codon 42 is replaced by threonine, an amino acid with similar properties. This amino acid position is conserved. In addition, this alteration is predicted to be deleterious by in silico analysis. Based on the available evidence, the clinical significance of this variant remains unclear.